The following is an entry in ClinVar:

ClinVar aggregate classification (germline): Uncertain significance. Review status: criteria provided, multiple submitters, no conflicts (2 of 4 stars). 2 submissions from 2 submitters: Uncertain significance (2). Last evaluated 2022-12-23.

Allele frequency attached by ClinVar (database versions not stated): gnomAD exomes below 0.00001.
gnomAD v4.1: 1 of 1,614,208 alleles (0.000062%); highest among the groups gnomAD compares: Non-Finnish European, 0.000085%; no homozygotes.

Submissions (2):

Blueprint Genetics
Classification: Uncertain significance. Last evaluated: 2022-12-23. Review status: criteria provided, single submitter. Criteria: ACMG Guidelines, 2015. Collection method: clinical testing. Allele origin: germline.

Labcorp Genetics (formerly Invitae), Labcorp
Classification: Uncertain significance. Last evaluated: 2019-12-30. Review status: criteria provided, single submitter. Criteria: Invitae Variant Classification Sherloc (09022015). Collection method: clinical testing. Allele origin: germline.
Comment: In summary, the available evidence is currently insufficient to determine the role of this variant in disease. Therefore, it has been classified as a Variant of Uncertain Significance. Algorithms developed to predict the effect of missense changes on protein structure and function (SIFT, PolyPhen-2, Align-GVGD) all suggest that this variant is likely to be tolerated, but these predictions have not been confirmed by published functional studies and their clinical significance is uncertain. This variant has not been reported in the literature in individuals with TEAD1-related conditions. This variant is not present in population databases (ExAC no frequency). This sequence change replaces alanine with valine at codon 23 of the TEAD1 protein (p.Ala23Val). The alanine residue is moderately conserved and there is a small physicochemical difference between alanine and valine.

NM_021961.6(TEAD1):c.68C>T (p.Ala23Val)

Gene: TEAD1 (TEA domain transcription factor 1; plus strand). Cytogenetic location: 11p15.3.
Variant type: single nucleotide variant.
Coding change: c.68C>T on transcript NM_021961.6 (MANE Select); coding-DNA position 68, C replaced by T.
Protein change: p.Ala23Val; replaces alanine 23 with valine.
Molecular consequence: missense variant.
Genome position (GRCh38, 1-based): chr11:12,764,300, C>T. VCF-style: chr11-12764300-C-T. GRCh37 (hg19) VCF-style: chr11-12785847-C-T.
Other names: short protein forms A23V.
Identifiers: ClinVar variation 861237 (VCV000861237.11), dbSNP rs1945159157, ClinGen allele CA379855541.